The following is an entry in ClinVar:

NM_015884.4(MBTPS2):c.49G>A (p.Val17Ile)

Genes: MBTPS2 (membrane bound transcription factor peptidase, site 2; plus strand), LOC130068039 (ATAC-STARR-seq lymphoblastoid active region 29486; plus strand). Cytogenetic location: Xp22.12.
Variant type: single nucleotide variant.
Coding change: c.49G>A on transcript NM_015884.4 (MANE Select); coding-DNA position 49, G replaced by A.
Protein change: p.Val17Ile; replaces valine 17 with isoleucine.
Molecular consequence: missense variant.
Genome position (GRCh38, 1-based): chrX:21,839,783, G>A. VCF-style: chrX-21839783-G-A. GRCh37 (hg19) VCF-style: chrX-21857901-G-A.
Other names: short protein forms V17I.
Identifiers: ClinVar variation 1921745 (VCV001921745.5), dbSNP rs376119693, ClinGen allele CA327501878.

ClinVar aggregate classification (germline): Uncertain significance (1 of 4 stars; one submission).

Allele frequency attached by ClinVar (database versions not stated): TOPMed below 0.00001; gnomAD exomes 0.00002; ESP Exome Variant Server 0.00009.
gnomAD v4.1: 7 of 1,196,435 alleles (0.00059%); highest among the groups gnomAD compares: Middle Eastern, 0.023%; no homozygotes.

Submission:

Labcorp Genetics (formerly Invitae), Labcorp
Classification: Uncertain significance. Last evaluated: 2022-02-10. Review status: criteria provided, single submitter. Criteria: Invitae Variant Classification Sherloc (09022015). Collection method: clinical testing. Allele origin: germline.
Comment: In summary, the available evidence is currently insufficient to determine the role of this variant in disease. Therefore, it has been classified as a Variant of Uncertain Significance. Algorithms developed to predict the effect of missense changes on protein structure and function output the following: SIFT: "Tolerated"; PolyPhen-2: "Benign"; Align-GVGD: "Class C0". The isoleucine amino acid residue is found in multiple mammalian species, which suggests that this missense change does not adversely affect protein function. This variant has not been reported in the literature in individuals affected with MBTPS2-related conditions. The frequency data for this variant in the population databases is considered unreliable, as metrics indicate poor data quality at this position in the gnomAD database. This sequence change replaces valine, which is neutral and non-polar, with isoleucine, which is neutral and non-polar, at codon 17 of the MBTPS2 protein (p.Val17Ile).